The following is an entry in ClinVar:

NM_213599.3(ANO5):c.2682A>T (p.Glu894Asp)

Gene: ANO5 (anoctamin 5; plus strand). Cytogenetic location: 11p14.3.
Variant type: single nucleotide variant.
Coding change: c.2682A>T on transcript NM_213599.3 (MANE Select); coding-DNA position 2682, A replaced by T.
Protein change: p.Glu894Asp; replaces glutamic acid 894 with aspartic acid.
Molecular consequence: missense variant.
Genome position (GRCh38, 1-based): chr11:22,279,705, A>T. VCF-style: chr11-22279705-A-T. GRCh37 (hg19) VCF-style: chr11-22301251-A-T.
Other names: c.2679A>T, p.Glu893Asp (NM_001142649.2); c.2640A>T, p.Glu880Asp (NM_001410963.1); c.2637A>T, p.Glu879Asp (NM_001410964.1); c.2604A>T, p.Glu868Asp (NM_001441294.1); c.2601A>T, p.Glu867Asp (NM_001441295.1); c.2589A>T, p.Glu863Asp (NM_001441296.1); c.2562A>T, p.Glu854Asp (NM_001441297.1); c.2526A>T, p.Glu842Asp (NM_001441298.1); and 4 more; short protein forms E880D, E732D, E749D, E854D, E863D, E867D, E841D, E868D.
Identifiers: ClinVar variation 4791466 (VCV004791466.1).

ClinVar aggregate classification (germline): Uncertain significance (1 of 4 stars; one submission).

Conditions:
Gnathodiaphyseal dysplasia (GDD). Also called: GNATHODIAPHYSEAL SCLEROSIS; OSTEOGENESIS IMPERFECTA WITH UNUSUAL SKELETAL LESIONS. Identifiers: Orphanet 53697, MedGen C1833736, MONDO:0008151, OMIM 166260.
Autosomal recessive limb-girdle muscular dystrophy type 2L (LGMDR12). Also called: Limb-girdle muscular dystrophy, type 2L; MUSCULAR DYSTROPHY, LIMB-GIRDLE, AUTOSOMAL RECESSIVE 12; Limb-Girdle Muscular Dystrophy R12 Anoctamin-5-Related (LGMD-R12). Identifiers: Orphanet 206549, MedGen C1969785, MONDO:0012652, OMIM 611307.

gnomAD v4.1: 2 of 1,612,834 alleles (0.00012%); highest among the groups gnomAD compares: Admixed American, 0.0033%; no homozygotes.

Submission:

Labcorp Genetics (formerly Invitae), Labcorp
Classification: Uncertain significance for Autosomal recessive limb-girdle muscular dystrophy type 2L; Gnathodiaphyseal dysplasia. Last evaluated: 2025-04-30. Review status: criteria provided, single submitter. Criteria: Invitae Variant Classification Sherloc (09022015). Collection method: clinical testing. Allele origin: germline.
Comment: This sequence change replaces glutamic acid, which is acidic and polar, with aspartic acid, which is acidic and polar, at codon 894 of the ANO5 protein (p.Glu894Asp). This variant is present in population databases (no rsID available, gnomAD 0.003%). This variant has not been reported in the literature in individuals affected with ANO5-related conditions. Invitae Evidence Modeling of protein sequence and biophysical properties (such as structural, functional, and spatial information, amino acid conservation, physicochemical variation, residue mobility, and thermodynamic stability) indicates that this missense variant is not expected to disrupt ANO5 protein function with a negative predictive value of 80%. In summary, the available evidence is currently insufficient to determine the role of this variant in disease. Therefore, it has been classified as a Variant of Uncertain Significance.